The following is an entry in ClinVar:

NM_000322.5(PRPH2):c.122T>C (p.Leu41Pro)

Gene: PRPH2 (peripherin 2; minus strand). Cytogenetic location: 6p21.1.
Variant type: single nucleotide variant.
Coding change: c.122T>C on transcript NM_000322.5 (MANE Select); coding-DNA position 122, T replaced by C.
Protein change: p.Leu41Pro; replaces leucine 41 with proline.
Molecular consequence: missense variant.
Genome position (GRCh38, 1-based): chr6:42,722,213, A>G on the plus strand (T>C on the coding strand, the complement: PRPH2 is on the minus strand). VCF-style: chr6-42722213-A-G. GRCh37 (hg19) VCF-style: chr6-42689951-A-G.
Other names: short protein forms L41P.
Identifiers: ClinVar variation 1175250 (VCV001175250.8), dbSNP rs2152011091, ClinGen allele CA364138725.

ClinVar aggregate classification (germline): Conflicting classifications of pathogenicity. Review status: criteria provided, conflicting classifications (1 of 4 stars). 3 submissions from 3 submitters: Likely pathogenic (1); Uncertain significance (1). 1 of the submissions does not count toward it. Last evaluated 2025-08-21.

Conditions:
PRPH2-related disorder. Also called: PRPH2-related condition; PRPH2-related disorders. Identifiers: MedGen CN239395.

Submissions (3):

Labcorp Genetics (formerly Invitae), Labcorp
Classification: Likely pathogenic for PRPH2-related disorder. Last evaluated: 2025-08-21. Review status: criteria provided, single submitter. Criteria: Invitae Variant Classification Sherloc (09022015). Collection method: clinical testing. Allele origin: germline.
Comment: This sequence change replaces leucine, which is neutral and non-polar, with proline, which is neutral and non-polar, at codon 41 of the PRPH2 protein (p.Leu41Pro). This variant is not present in population databases (gnomAD no frequency). This missense change has been observed in individuals with PRPH2-related conditions (PMID: 36563963, 38474159). ClinVar contains an entry for this variant (Variation ID: 1175250). Invitae Evidence Modeling of protein sequence and biophysical properties (such as structural, functional, and spatial information, amino acid conservation, physicochemical variation, residue mobility, and thermodynamic stability) indicates that this missense variant is expected to disrupt PRPH2 protein function with a positive predictive value of 95%. In summary, the currently available evidence indicates that the variant is pathogenic, but additional data are needed to prove that conclusively. Therefore, this variant has been classified as Likely Pathogenic.

Blueprint Genetics
Classification: Uncertain significance. Last evaluated: 2020-01-08. Review status: criteria provided, single submitter. Criteria: ACMG Guidelines, 2015. Collection method: clinical testing. Allele origin: germline.

Leiden Open Variation Database
Classification: Uncertain significance. Last evaluated: 2021-04-06. Review status: no assertion criteria provided. Collection method: curation. Allele origin: germline. Affected: yes. Not counted in ClinVar's aggregate classification.
Comment: Curator: Global Variome, with Curator vacancy. Submitter to LOVD: Manon Peeters.

Literature cited by the submitters: PubMed 36563963 (cited by Labcorp Genetics (formerly Invitae), Labcorp); PubMed 38474159 (cited by Labcorp Genetics (formerly Invitae), Labcorp).